The following is an entry in ClinVar:

ClinVar aggregate classification (germline): Conflicting classifications of pathogenicity. Review status: criteria provided, conflicting classifications (1 of 4 stars). 2 submissions from 2 submitters: Likely pathogenic (1); Uncertain significance (1). Last evaluated 2025-07-31.

Conditions:
Progressive sclerosing poliodystrophy (MTDPS4A). Also called: Mitochondrial DNA Depletion Syndrome 4A; Alpers-Huttenlocher Syndrome (AHS); ALPERS PROGRESSIVE INFANTILE POLIODYSTROPHY; NEURONAL DEGENERATION OF CHILDHOOD WITH LIVER DISEASE, PROGRESSIVE; Alpers Syndrome; ALPERS DIFFUSE DEGENERATION OF CEREBRAL GRAY MATTER WITH HEPATIC CIRRHOSIS. Identifiers: Orphanet 726, MedGen C0205710, MONDO:0008758, OMIM 203700.

gnomAD v4.1: 1 of 1,614,222 alleles (0.000062%); no homozygotes.

Submissions (2):

Women's Health and Genetics/Laboratory Corporation of America, LabCorp
Classification: Uncertain significance. Last evaluated: 2025-07-31. Review status: criteria provided, single submitter. Criteria: LabCorp Variant Classification Summary - May 2015. Collection method: clinical testing. Allele origin: germline.
Comment: Variant summary: POLG c.1400C>A (p.Ala467Asp) results in a non-conservative amino acid change in the encoded protein sequence. Algorithms developed to predict the effect of missense changes on protein structure and function all suggest that this variant is likely to be disruptive. The variant was absent in 251484 control chromosomes. The available data on variant occurrences in the general population are insufficient to allow any conclusion about variant significance. To our knowledge, no occurrence of c.1400C>A in individuals affected with Mitochondrial DNA Depletion Syndrome - POLG Related and no experimental evidence demonstrating its impact on protein function have been reported. ClinVar contains an entry for this variant (Variation ID: 2072863). Based on the evidence outlined above, the variant was classified as uncertain significance.

Labcorp Genetics (formerly Invitae), Labcorp
Classification: Likely pathogenic for Progressive sclerosing poliodystrophy. Last evaluated: 2024-01-29. Review status: criteria provided, single submitter. Criteria: Invitae Variant Classification Sherloc (09022015). Collection method: clinical testing. Allele origin: germline.
Comment: This sequence change replaces alanine, which is neutral and non-polar, with aspartic acid, which is acidic and polar, at codon 467 of the POLG protein (p.Ala467Asp). This variant is not present in population databases (gnomAD no frequency). This variant has not been reported in the literature in individuals affected with POLG-related conditions. ClinVar contains an entry for this variant (Variation ID: 2072863). Advanced modeling of protein sequence and biophysical properties (such as structural, functional, and spatial information, amino acid conservation, physicochemical variation, residue mobility, and thermodynamic stability) performed at Invitae indicates that this missense variant is expected to disrupt POLG protein function with a positive predictive value of 95%. This variant disrupts the p.Ala467 amino acid residue in POLG. Other variant(s) that disrupt this residue have been determined to be pathogenic (PMID: 11431686, 15122711, 15917273, 16024923). This suggests that this residue is clinically significant, and that variants that disrupt this residue are likely to be disease-causing. In summary, the currently available evidence indicates that the variant is pathogenic, but additional data are needed to prove that conclusively. Therefore, this variant has been classified as Likely Pathogenic.

Literature cited by the submitters: PubMed 11431686 (cited by Labcorp Genetics (formerly Invitae), Labcorp); PubMed 15122711 (cited by Labcorp Genetics (formerly Invitae), Labcorp); PubMed 15917273 (cited by Labcorp Genetics (formerly Invitae), Labcorp); PubMed 16024923 (cited by Labcorp Genetics (formerly Invitae), Labcorp).

NM_002693.3(POLG):c.1400C>A (p.Ala467Asp)

Gene: POLG (DNA polymerase gamma, catalytic subunit; minus strand). Cytogenetic location: 15q26.1.
Variant type: single nucleotide variant.
Coding change: c.1400C>A on transcript NM_002693.3 (MANE Select); coding-DNA position 1400, C replaced by A.
Protein change: p.Ala467Asp; replaces alanine 467 with aspartic acid.
Molecular consequence: missense variant.
Genome position (GRCh38, 1-based): chr15:89,327,200, G>T on the plus strand (C>A on the coding strand, the complement: POLG is on the minus strand). VCF-style: chr15-89327200-G-T. GRCh37 (hg19) VCF-style: chr15-89870431-G-T.
Other names: c.1400C>A, p.Ala467Asp (NM_001126131.2); short protein forms A467D.
Identifiers: ClinVar variation 2072863 (VCV002072863.6), dbSNP rs2509255963, ClinGen allele CA393761699.